The following is an entry in ClinVar:

NM_001017995.3(SH3PXD2B):c.*642C>T

Gene: SH3PXD2B (SH3 and PX domains 2B; minus strand). Cytogenetic location: 5q35.1.
Variant type: single nucleotide variant.
Coding change: c.*642C>T on transcript NM_001017995.3 (MANE Select); 642 bases downstream of the stop codon, C replaced by T.
Molecular consequence: 3 prime UTR variant. On other transcripts: intron variant (1).
Genome position (GRCh38, 1-based): chr5:172,337,727, G>A on the plus strand (C>T on the coding strand, the complement: SH3PXD2B is on the minus strand). VCF-style: chr5-172337727-G-A. GRCh37 (hg19) VCF-style: chr5-171764731-G-A.
Other names: c.1188+8409C>T (NM_001308175.2).
Identifiers: ClinVar variation 352789 (VCV000352789.5), dbSNP rs192181401, ClinGen allele CA10624060.

ClinVar aggregate classification (germline): Likely benign (1 of 4 stars; one submission).

Conditions:
Frank-Ter Haar syndrome. Also called: BORRONE DERMATOCARDIOSKELETAL SYNDROME; TER HAAR SYNDROME; MELNICK-NEEDLES SYNDROME, AUTOSOMAL RECESSIVE; Borrone di Rocco Crovato syndrome. Identifiers: Orphanet 1266, Orphanet 137834, MedGen C1855305, MONDO:0009579, OMIM 249420.

Allele frequency attached by ClinVar (database versions not stated): 1000 Genomes Project 30x 0.00219; 1000 Genomes Project 0.00240; gnomAD 0.00330 and 0.00363; TOPMed 0.00390.
gnomAD v4.1: 744 of 992,916 alleles (0.075%); highest among the groups gnomAD compares: African/African-American, 1.2%; 3 homozygotes.

Submission:

Illumina Laboratory Services, Illumina
Classification: Likely benign for Frank-Ter Haar syndrome. Last evaluated: 2018-01-13. Review status: criteria provided, single submitter. Criteria: ICSL Variant Classification Criteria 13 December 2019. Collection method: clinical testing. Allele origin: germline.
Comment: This variant was observed in the ICSL laboratory as part of a predisposition screen in an ostensibly healthy population. It had not been previously curated by ICSL or reported in the Human Gene Mutation Database (HGMD: prior to June 1st, 2018), and was therefore a candidate for classification through an automated scoring system. Utilizing variant allele frequency, disease prevalence and penetrance estimates, and inheritance mode, an automated score was calculated to assess if this variant is too frequent to cause the disease. Based on the score and internal cut-off values, a variant classified as likely benign is not then subjected to further curation. The score for this variant resulted in a classification of likely benign for this disease.